The following is an entry in ClinVar:

ClinVar aggregate classification (germline): Uncertain significance. Review status: criteria provided, multiple submitters, no conflicts (2 of 4 stars). 2 submissions from 2 submitters: Uncertain significance (2). Last evaluated 2025-11-02.

Conditions:
Hereditary cancer-predisposing syndrome. Also called: Tumor predisposition; Hereditary Cancer Syndrome; Neoplastic Syndromes, Hereditary; Hereditary neoplastic syndrome. Identifiers: Orphanet 140162, MedGen C0027672, MeSH D009386, MONDO:0015356.
DICER1-related tumor predisposition. Also called: DICER1-related pleuropulmonary blastoma cancer predisposition syndrome; DICER1 syndrome. Identifiers: Orphanet 284343, MedGen C3839822, MONDO:0100216.

gnomAD v4.1: 1 of 1,614,206 alleles (0.000062%); highest among the groups gnomAD compares: Non-Finnish European, 0.000085%; no homozygotes.

Submissions (2):

Ambry Genetics
Classification: Uncertain significance for Hereditary cancer-predisposing syndrome. Last evaluated: 2025-11-02. Review status: criteria provided, single submitter. Criteria: Ambry Variant Classification Scheme 2023. Collection method: clinical testing. Allele origin: germline.
Comment: The p.F1687L variant (also known as c.5061T>G), located in coding exon 22 of the DICER1 gene, results from a T to G substitution at nucleotide position 5061. The phenylalanine at codon 1687 is replaced by leucine, an amino acid with highly similar properties. This amino acid position is conserved. In addition, this alteration is predicted to be deleterious by in silico analysis. Based on the available evidence, the clinical significance of this variant remains unclear.

Labcorp Genetics (formerly Invitae), Labcorp
Classification: Uncertain significance for DICER1-related tumor predisposition. Last evaluated: 2022-09-28. Review status: criteria provided, single submitter. Criteria: Invitae Variant Classification Sherloc (09022015). Collection method: clinical testing. Allele origin: germline.
Comment: This sequence change replaces phenylalanine, which is neutral and non-polar, with leucine, which is neutral and non-polar, at codon 1687 of the DICER1 protein (p.Phe1687Leu). This variant is not present in population databases (gnomAD no frequency). This variant has not been reported in the literature in individuals affected with DICER1-related conditions. ClinVar contains an entry for this variant (Variation ID: 1010489). Advanced modeling of protein sequence and biophysical properties (such as structural, functional, and spatial information, amino acid conservation, physicochemical variation, residue mobility, and thermodynamic stability) performed at Invitae indicates that this missense variant is not expected to disrupt DICER1 protein function. In summary, the available evidence is currently insufficient to determine the role of this variant in disease. Therefore, it has been classified as a Variant of Uncertain Significance.

NM_177438.3(DICER1):c.5061T>G (p.Phe1687Leu)

Gene: DICER1 (dicer 1, ribonuclease III; minus strand). Cytogenetic location: 14q32.13.
Variant type: single nucleotide variant.
Coding change: c.5061T>G on transcript NM_177438.3 (MANE Select); coding-DNA position 5061, T replaced by G.
Protein change: p.Phe1687Leu; replaces phenylalanine 1687 with leucine.
Molecular consequence: missense variant.
Genome position (GRCh38, 1-based): chr14:95,095,859, A>C on the plus strand (T>G on the coding strand, the complement: DICER1 is on the minus strand). VCF-style: chr14-95095859-A-C. GRCh37 (hg19) VCF-style: chr14-95562196-A-C.
Other names: c.5061T>G (NM_177438.2); c.5061T>G, p.Phe1687Leu (NM_001195573.1, NM_001271282.3, NM_001291628.2 and 1 more transcripts); short protein forms F1687L.
Identifiers: ClinVar variation 1010489 (VCV001010489.8), dbSNP rs1890260374, ClinGen allele CA390865986.
Genomic context (GRCh38, chr14:95,095,859, plus strand): 5'-ATGAAGTCTGGTCGTGGGCTCCTTACCAGTGATAGTATTGTAGTGGTAGGAGGCATGTGT[A>C]AAAGCCTGGAGAAGGTAAGCCTTATTCTTGAATCTGTAGTTGATTTTCTTTTCAAAATTT-3'
Protein context (NP_803187.1, residues 1677-1697): FKNKAYLLQA[Phe1687Leu]THASYHYNTI